The following is an entry in ClinVar:

ClinVar aggregate classification (germline): Benign (1 of 4 stars; one submission).

Conditions:
MELAS syndrome (MELAS). Also called: Juvenile myopathy, encephalopathy, lactic acidosis, stroke. Identifiers: Orphanet 550, MedGen C0162671, MONDO:0010789, OMIM 540000.

Submission:

Wong Mito Lab, Molecular and Human Genetics, Baylor College of Medicine
Classification: Benign for MELAS syndrome. Last evaluated: 2019-07-12. Review status: criteria provided, single submitter. Criteria: Modified ACMG Guidelines (Unpublished). Collection method: clinical testing. Allele origin: germline.
Comment: The NC_012920.1:m.5780G>A variant in MT-TC gene is interpreted to be a Benign variant based on the modified ACMG guidelines (unpublished). This variant meets the following evidence codes reported in the guidelines: BS1, BS2

Literature cited by the submitters: PubMed 31965079; PubMed 12802679.

NC_012920.1(MT-TC):m.5780G>A

Gene: MT-TC (mitochondrially encoded tRNA cysteine; minus strand).
Variant type: single nucleotide variant.
Genome position: chrM-5780-G-A.
Identifiers: ClinVar variation 689986 (VCV000689986.1), dbSNP rs878999194, ClinGen allele CA337097235.